The following is an entry in ClinVar:

NM_000091.5(COL4A3):c.1787G>T (p.Gly596Val)

Genes: COL4A3 (collagen type IV alpha 3 chain; plus strand), MFF-DT (MFF divergent transcript; minus strand). Cytogenetic location: 2q36.3.
Variant type: single nucleotide variant.
Coding change: c.1787G>T on transcript NM_000091.5 (MANE Select); coding-DNA position 1787, G replaced by T.
Protein change: p.Gly596Val; replaces glycine 596 with valine.
Molecular consequence: missense variant.
Genome position (GRCh38, 1-based): chr2:227,272,977, G>T. VCF-style: chr2-227272977-G-T. GRCh37 (hg19) VCF-style: chr2-228137693-G-T.
Other names: short protein forms G596V.
Identifiers: ClinVar variation 3068591 (VCV003068591.2), dbSNP rs2469699666, ClinGen allele CA350844796.

ClinVar aggregate classification (germline): Conflicting classifications of pathogenicity. Review status: criteria provided, conflicting classifications (1 of 4 stars). 2 submissions from 2 submitters: Likely pathogenic (1); Uncertain significance (1). Last evaluated 2025-04-18.

Conditions:
Alport syndrome. Also called: Hemorrhagic familial nephritis; Hemorrhagic hereditary nephritis; Congenital hereditary hematuria. Identifiers: Orphanet 63, MedGen C1567741, MONDO:0018965.
Inborn genetic diseases. Identifiers: MedGen C0950123, MeSH D030342.

Submissions (2):

Ambry Genetics
Classification: Uncertain significance for Inborn genetic diseases. Last evaluated: 2025-04-18. Review status: criteria provided, single submitter. Criteria: Ambry Variant Classification Scheme 2023. Collection method: clinical testing. Allele origin: germline.

Molecular Genetics, Royal Melbourne Hospital
Classification: Likely pathogenic for Alport syndrome. Last evaluated: 2023-07-07. Review status: criteria provided, single submitter. Criteria: ACMG Guidelines, 2015. Collection method: clinical testing. Allele origin: germline. Inheritance: Semidominant inheritance. Affected: yes.
Comment: This sequence change in COL4A3 is predicted to replace glycine with valine at codon 596, p.(Gly596Val). The glycine residue is highly conserved (81 vertebrates, UCSC) and is a glycine-altering variant that alters a critical glycine residue in a collagen triple helix repeat (Gly-X-Y) in the alpha-IV collagenous domain. Glycine substitutions within this functional domain have a well-established pathogenic dominant-negative effect (PMID: 20301386). There is a large physicochemical difference between glycine and valine. This variant is absent from the population database gnomAD v2.1 and v3.1. To our knowledge, this variant has not been previously reported in the relevant scientific literature or databases. Computational evidence predicts a deleterious effect for the missense substitution (REVEL = 0.953). Another missense variant (c.1786G>C, p.Gly596Arg) in the same codon with a similar physicochemical difference has been classified as likely pathogenic and reported in a patient with COL4A3-related Alport Syndrome (PMID: 14871398). Based on the classification scheme RMH Modified ACMG/AMP Guidelines v1.6.1, this variant is classified as LIKELY PATHOGENIC. Following criteria are met: PM1, PM2_Supporting, PM5, PP3_Moderate.

Literature cited by the submitters: PubMed 14871398 (cited by Molecular Genetics, Royal Melbourne Hospital); PubMed 20301386 (cited by Molecular Genetics, Royal Melbourne Hospital).